The following is an entry in ClinVar:

NM_005996.4(TBX3):c.-895TC[14]

Genes: TBX3 (T-box transcription factor 3; minus strand), TBX3-AS1 (TBX3 antisense RNA 1; plus strand). Cytogenetic location: 12q24.21.
Variant type: Microsatellite.
Coding change: c.-895TC[14] on transcript NM_005996.4 (MANE Select); 14 copies in a row of the 2-base unit TC starting at c.-895; the reference has 12 copies in a row; two copies, 4 bases duplicated.
Molecular consequence: 5 prime UTR variant.
Genome position (GRCh38, 1-based): chr12:114,684,072-114,684,075, GAGA duplicated on the plus strand (TCTC on the coding strand, the reverse complement: TBX3 is on the minus strand); duplicating any 4 consecutive bases within chr12:114,684,072-114,684,095 gives the same sequence; the position shown is the placement nearest the transcript's 3' end. VCF-style (leftmost placement, unchanged base first): chr12-114684071-G-GGAGA. GRCh37 (hg19) VCF-style: chr12-115121876-G-GGAGA.
Other names: c.-875_-872dupTCTC (NM_016569.3); c.-895TC[14] (NM_016569.4).
Identifiers: ClinVar variation 307401 (VCV000307401.10), dbSNP rs57078153, ClinGen allele CA10640396.

ClinVar aggregate classification (germline): Benign. Review status: criteria provided, single submitter (1 of 4 stars). 2 submissions from 2 submitters: Benign (1). 1 of the submissions does not count toward it. Last evaluated 2019-08-15.

Conditions:
TBX3-related disorder. Also called: TBX3-related condition.

Submissions (2):

GeneDx
Classification: Benign. Last evaluated: 2019-08-15. Review status: criteria provided, single submitter. Criteria: GeneDx Variant Classification Process June 2021. Collection method: clinical testing. Allele origin: germline. Affected: yes.

PreventionGenetics, part of Exact Sciences
Classification: Benign for TBX3-related condition. Last evaluated: 2022-08-01. Review status: no assertion criteria provided. Collection method: clinical testing. Allele origin: germline. Not counted in ClinVar's aggregate classification.
Comment: This variant is classified as benign based on ACMG/AMP sequence variant interpretation guidelines (Richards et al. 2015 PMID: 25741868, with internal and published modifications).